The following is an entry in ClinVar:

ClinVar aggregate classification (germline): Conflicting classifications of pathogenicity. Review status: criteria provided, conflicting classifications (1 of 4 stars). 3 submissions from 3 submitters: Pathogenic (2); Uncertain significance (1). Last evaluated 2025-03-16.

Conditions:
Hereditary hyperekplexia. Identifiers: Orphanet 3197, MedGen C4084968, MONDO:0021022.
GLRA1-related disorder. Also called: GLRA1-related condition.
Hyperekplexia 1 (STHE). Also called: HYPEREKPLEXIA 1, AUTOSOMAL DOMINANT; HYPEREKPLEXIA 1, AUTOSOMAL RECESSIVE; EXAGGERATED STARTLE REACTION; STARTLE DISEASE, FAMILIAL; STIFF-BABY SYNDROME; STIFF-MAN SYNDROME, CONGENITAL. Identifiers: Orphanet 3197, MedGen C4551954, MONDO:0007868, OMIM 149400.

Allele frequency attached by ClinVar (database versions not stated): TOPMed below 0.00001; gnomAD 0.00001; gnomAD exomes 0.00001.
gnomAD v4.1: 8 of 1,603,516 alleles (0.0005%); highest among the groups gnomAD compares: Admixed American, 0.0017%; no homozygotes.

Submissions (3):

Labcorp Genetics (formerly Invitae), Labcorp
Classification: Pathogenic for Hereditary hyperekplexia. Last evaluated: 2025-03-16. Review status: criteria provided, single submitter. Criteria: Invitae Variant Classification Sherloc (09022015). Collection method: clinical testing. Allele origin: germline.
Comment: This sequence change creates a premature translational stop signal (p.Arg8*) in the GLRA1 gene. It is expected to result in an absent or disrupted protein product. Loss-of-function variants in GLRA1 are known to be pathogenic (PMID: 20631190, 24108130). This variant is present in population databases (no rsID available, gnomAD 0.003%). This premature translational stop signal has been observed in individual(s) with GLRA1-related conditions (internal data). ClinVar contains an entry for this variant (Variation ID: 956517). Algorithms developed to predict the effect of sequence changes on RNA splicing suggest that this variant may disrupt the consensus splice site. For these reasons, this variant has been classified as Pathogenic.

PreventionGenetics, part of Exact Sciences
Classification: Uncertain significance for GLRA1-related condition. Last evaluated: 2024-10-31. Review status: criteria provided, single submitter. Criteria: ACMG Guidelines, 2015. Collection method: clinical testing. Allele origin: germline.
Comment: The GLRA1 c.22C>T variant is predicted to result in premature protein termination (p.Arg8*). To our knowledge, this variant has not been reported in the literature. Nonsense variants in GLRA1 are expected to be pathogenic; however, this variant resides upstream of all published disease-associated premature termination variants (Human Gene Mutation Database), and at least one alternative initiation codon resides downstream. This variant is reported in 0.0029% of alleles in individuals of Latino descent in gnomAD. Although we suspect that this variant may be pathogenic, at this time, the clinical significance is uncertain due to the absence of conclusive functional and genetic evidence.

Fulgent Genetics
Classification: Pathogenic for Hyperekplexia 1. Last evaluated: 2022-02-10. Review status: criteria provided, single submitter. Criteria: ACMG Guidelines, 2015. Collection method: clinical testing. Allele origin: unknown.

Literature cited by the submitters: PubMed 20631190 (cited by Labcorp Genetics (formerly Invitae), Labcorp); PubMed 24108130 (cited by Labcorp Genetics (formerly Invitae), Labcorp).

NM_000171.4(GLRA1):c.22C>T (p.Arg8Ter)

Gene: GLRA1 (glycine receptor alpha 1; minus strand). Cytogenetic location: 5q33.1.
Variant type: single nucleotide variant.
Coding change: c.22C>T on transcript NM_000171.4 (MANE Select); coding-DNA position 22, C replaced by T.
Protein change: p.Arg8Ter; replaces arginine 8 with a stop codon.
Molecular consequence: nonsense. On other transcripts: 5 prime UTR variant (1).
Genome position (GRCh38, 1-based): chr5:151,924,528, G>A on the plus strand (C>T on the coding strand, the complement: GLRA1 is on the minus strand). VCF-style: chr5-151924528-G-A. GRCh37 (hg19) VCF-style: chr5-151304089-G-A.
Other names: c.22C>T, p.Arg8Ter (NM_001146040.2); c.-100C>T (NM_001292000.2); short protein forms R8*.
Identifiers: ClinVar variation 956517 (VCV000956517.13), dbSNP rs1296531416, ClinGen allele CA361900000.